The following is an entry in ClinVar:

NM_000182.5(HADHA):c.1410dup (p.Ile471fs)

Genes: GAREM2 (GRB2 associated regulator of MAPK1 subtype 2; plus strand), HADHA (hydroxyacyl-CoA dehydrogenase trifunctional multienzyme complex subunit alpha; minus strand). Cytogenetic location: 2p23.3.
Variant type: Duplication.
Coding change: c.1410dup on transcript NM_000182.5 (MANE Select); coding-DNA position 1410, one base duplicated (T; older notation c.1410dupT).
Protein change: p.Ile471fs; shifts the reading frame from isoleucine 471.
Molecular consequence: frameshift variant.
Genome position (GRCh38, 1-based): chr2:26,197,760, A duplicated on the plus strand (T on the coding strand, the reverse complement: HADHA is on the minus strand). VCF-style (leftmost placement, unchanged base first): chr2-26197759-T-TA. GRCh37 (hg19) VCF-style: chr2-26420628-T-TA.
Other names: short protein forms I471fs.
Identifiers: ClinVar variation 5013250 (VCV005013250.1).

ClinVar aggregate classification (germline): Pathogenic (1 of 4 stars; one submission).

Conditions:
Long chain 3-hydroxyacyl-CoA dehydrogenase deficiency. Also called: Deficiency of long-chain 3-hydroxyacyl-coenzyme A dehydrogenase; LCHAD Deficiency. Identifiers: Orphanet 5, MedGen C3711645, MONDO:0012173, OMIM 609016.

Submission:

Myriad Genetics, Inc.
Classification: Pathogenic for Long chain 3-hydroxyacyl-CoA dehydrogenase deficiency. Last evaluated: 2024-06-28. Review status: criteria provided, single submitter. Criteria: Myriad Autosomal Dominant, Autosomal Recessive and X-Linked Classification Criteria (2023). Collection method: clinical testing. Allele origin: unknown.
Comment: NM_000182.4(HADHA):c.1410dupT(I471Yfs*5) is expected to be pathogenic in the context of HADHA-related disorders. This variant is predicted to lead to an abnormal or absent protein product due to the creation of a premature termination codon in HADHA, a gene where loss-of-function variants are known to be pathogenic. Please note: this variant was assessed in the context of healthy population screening.